The following is an entry in ClinVar:

NM_001127208.3(TET2):c.1277T>C (p.Leu426Pro)

Genes: TET2 (tet methylcytosine dioxygenase 2; plus strand), TET2-AS1 (TET2 antisense RNA 1; minus strand). Cytogenetic location: 4q24.
Variant type: single nucleotide variant.
Coding change: c.1277T>C on transcript NM_001127208.3 (MANE Select); coding-DNA position 1277, T replaced by C.
Protein change: p.Leu426Pro; replaces leucine 426 with proline.
Molecular consequence: missense variant.
Genome position (GRCh38, 1-based): chr4:105,235,219, T>C. VCF-style: chr4-105235219-T-C. GRCh37 (hg19) VCF-style: chr4-106156376-T-C.
Other names: c.1277T>C, p.Leu426Pro (NM_017628.4); short protein forms L426P.
Identifiers: ClinVar variation 2967075 (VCV002967075.3), dbSNP rs1383216136, ClinGen allele CA357794417.

ClinVar aggregate classification (germline): Uncertain significance (1 of 4 stars; one submission).

Allele frequency attached by ClinVar (database versions not stated): gnomAD exomes below 0.00001.
gnomAD v4.1: 2 of 1,614,094 alleles (0.00012%); highest among the groups gnomAD compares: South Asian, 0.0011%; no homozygotes.

Submission:

Labcorp Genetics (formerly Invitae), Labcorp
Classification: Uncertain significance. Last evaluated: 2023-06-20. Review status: criteria provided, single submitter. Criteria: Invitae Variant Classification Sherloc (09022015). Collection method: clinical testing. Allele origin: germline.
Comment: This sequence change replaces leucine, which is neutral and non-polar, with proline, which is neutral and non-polar, at codon 426 of the TET2 protein (p.Leu426Pro). This variant is present in population databases (no rsID available, gnomAD 0.003%). This variant has not been reported in the literature in individuals affected with TET2-related conditions. An algorithm developed to predict the effect of missense changes on protein structure and function (PolyPhen-2) suggests that this variant is likely to be disruptive. In summary, the available evidence is currently insufficient to determine the role of this variant in disease. Therefore, it has been classified as a Variant of Uncertain Significance.